The following is an entry in ClinVar:

ClinVar aggregate classification (germline): Pathogenic (1 of 4 stars; one submission).

Conditions:
Multiple congenital exostosis (EXT). Also called: Multiple osteochondromas; MULTIPLE CARTILAGINOUS EXOSTOSES; Multiple exostoses; Hereditary multiple osteochondromas; Hereditary multiple exostoses; Hereditary multiple exostosis. Identifiers: Orphanet 321, MedGen C0015306, MONDO:0005508, HP:0002762.

Submission:

Labcorp Genetics (formerly Invitae), Labcorp
Classification: Pathogenic for Multiple congenital exostosis. Last evaluated: 2021-12-27. Review status: criteria provided, single submitter. Criteria: Invitae Variant Classification Sherloc (09022015). Collection method: clinical testing. Allele origin: germline.
Comment: This sequence change creates a premature translational stop signal (p.Tyr461*) in the EXT1 gene. It is expected to result in an absent or disrupted protein product. Loss-of-function variants in EXT1 are known to be pathogenic (PMID: 10679937, 11391482, 19810120). For these reasons, this variant has been classified as Pathogenic. This variant has not been reported in the literature in individuals affected with EXT1-related conditions. This variant is not present in population databases (gnomAD no frequency).

Literature cited by the submitters: PubMed 10679937; PubMed 11391482; PubMed 19810120.

NM_000127.3(EXT1):c.1383T>A (p.Tyr461Ter)

Gene: EXT1 (exostosin glycosyltransferase 1; minus strand). Cytogenetic location: 8q24.11.
Variant type: single nucleotide variant.
Coding change: c.1383T>A on transcript NM_000127.3 (MANE Select); coding-DNA position 1383, T replaced by A.
Protein change: p.Tyr461Ter; replaces tyrosine 461 with a stop codon.
Molecular consequence: nonsense.
Genome position (GRCh38, 1-based): chr8:117,822,499, A>T on the plus strand (T>A on the coding strand, the complement: EXT1 is on the minus strand). VCF-style: chr8-117822499-A-T. GRCh37 (hg19) VCF-style: chr8-118834738-A-T.
Other names: short protein forms Y461*.
Identifiers: ClinVar variation 2062977 (VCV002062977.4), dbSNP rs971844997, ClinGen allele CA371887380.